The following is an entry in ClinVar:

NM_001267550.2(TTN):c.36285C>G (p.His12095Gln)

Gene: TTN (titin; minus strand). Cytogenetic location: 2q31.2.
Variant type: single nucleotide variant.
Coding change: c.36285C>G on transcript NM_001267550.2 (MANE Select); coding-DNA position 36285, C replaced by G.
Protein change: p.His12095Gln; replaces histidine 12095 with glutamine.
Molecular consequence: missense variant. On other transcripts: intron variant (5).
Genome position (GRCh38, 1-based): chr2:178,664,094, G>C on the plus strand (C>G on the coding strand, the complement: TTN is on the minus strand). VCF-style: chr2-178664094-G-C. GRCh37 (hg19) VCF-style: chr2-179528821-G-C.
Other names: c.13283-21777C>G (NM_003319.4); c.13859-21777C>G (NM_133437.4); c.13658-21777C>G (NM_133432.3); c.31484-1039C>G (NM_133378.4); c.34265-1039C>G (NM_001256850.1); short protein forms H12095Q.
Identifiers: ClinVar variation 4795226 (VCV004795226.1).

ClinVar aggregate classification (germline): VUS-high (1 of 4 stars; one submission).

Conditions:
Autosomal recessive titinopathy. Identifiers: MedGen CN315649, MONDO:0100493.

gnomAD v4.1: 4 of 1,608,664 alleles (0.00025%); highest among the groups gnomAD compares: Non-Finnish European, 0.00034%; no homozygotes.

Submission:

Myofin, Folkhalsan Research Center
Classification: VUS-high for Autosomal recessive titinopathy. Last evaluated: 2026-02-06. Review status: criteria provided, single submitter. Criteria: ACMG Guidelines, 2015. Collection method: research. Allele origin: germline. Affected: yes.
Comment: The variant c.36285C>G is located 5 nucleotides upstream of the canonical splice donor site and is predicted to significantly disrupt splicing (SpliceAI Δ score = 0.89; PP3_Moderate). Although outside the canonical ±1/2 positions, the high prediction score supports a likely functional impact. Exon 170 shows marked developmental regulation, and the patient's clinical course is concordant with reduced postnatal inclusion of this exon, supporting a TTN meta-exon–mediated mechanism (PP4_Moderate). Based on the combination of PP3_Moderate, PP4_Moderate, PM3_Supporting, and PM2_Supporting, the variant is classified as Likely Pathogenic.

Literature cited by the submitters: DOI 10.1101/2025.07.17.25331124.